The following is an entry in ClinVar:

NM_004994.3(MMP9):c.519G>A (p.Ala173=)

Gene: MMP9 (matrix metallopeptidase 9; plus strand). Cytogenetic location: 20q13.12.
Variant type: single nucleotide variant.
Coding change: c.519G>A on transcript NM_004994.3 (MANE Select); coding-DNA position 519, G replaced by A.
Protein change: p.Ala173=; no amino-acid change (alanine 173 retained).
Molecular consequence: synonymous variant.
Genome position (GRCh38, 1-based): chr20:46,010,630, G>A. VCF-style: chr20-46010630-G-A. GRCh37 (hg19) VCF-style: chr20-44639269-G-A.
Other names: c.519G>A (NM_004994.2).
Identifiers: ClinVar variation 1056493 (VCV001056493.11), dbSNP rs183834856, ClinGen allele CA9886407.

ClinVar aggregate classification (germline): Likely benign. Review status: criteria provided, single submitter (1 of 4 stars). 2 submissions from 2 submitters: Likely benign (1). 1 of the submissions does not count toward it. Last evaluated 2025-12-24.

Conditions:
MMP9-related disorder. Also called: MMP9-related condition.

Allele frequency attached by ClinVar (database versions not stated): ExAC 0.00013; ESP Exome Variant Server 0.00023; gnomAD 0.00027; TOPMed 0.00044; 1000 Genomes Project 0.00080; 1000 Genomes Project 30x 0.00109.

Submissions (2):

Labcorp Genetics (formerly Invitae), Labcorp
Classification: Likely benign. Last evaluated: 2025-12-24. Review status: criteria provided, single submitter. Criteria: Invitae Variant Classification Sherloc (09022015). Collection method: clinical testing. Allele origin: germline.

PreventionGenetics, part of Exact Sciences
Classification: Likely benign for MMP9-related condition. Last evaluated: 2019-11-14. Review status: no assertion criteria provided. Collection method: clinical testing. Allele origin: germline. Not counted in ClinVar's aggregate classification.
Comment: This variant is classified as likely benign based on ACMG/AMP sequence variant interpretation guidelines (Richards et al. 2015 PMID: 25741868, with internal and published modifications).